The following is an entry in ClinVar:

NM_006904.7(PRKDC):c.59C>G (p.Ser20Cys)

Genes: PRKDC (protein kinase, DNA-activated, catalytic subunit; minus strand), LOC129929030 (ATAC-STARR-seq lymphoblastoid silent region 19177; plus strand). Cytogenetic location: 8q11.21.
Variant type: single nucleotide variant.
Coding change: c.59C>G on transcript NM_006904.7 (MANE Select); coding-DNA position 59, C replaced by G.
Protein change: p.Ser20Cys; replaces serine 20 with cysteine.
Molecular consequence: missense variant.
Genome position (GRCh38, 1-based): chr8:47,960,068, G>C on the plus strand (C>G on the coding strand, the complement: PRKDC is on the minus strand). VCF-style: chr8-47960068-G-C. GRCh37 (hg19) VCF-style: chr8-48872628-G-C.
Other names: c.59C>G, p.Ser20Cys (NM_001081640.2); short protein forms S20C.
Identifiers: ClinVar variation 3310180 (VCV003310180.1).

ClinVar aggregate classification (germline): Uncertain significance (1 of 4 stars; one submission).

Submission:

Ambry Genetics
Classification: Uncertain significance. Last evaluated: 2024-06-09. Review status: criteria provided, single submitter. Criteria: Ambry Variant Classification Scheme 2023. Collection method: clinical testing. Allele origin: germline.
Comment: The p.S20C variant (also known as c.59C>G), located in coding exon 1 of the PRKDC gene, results from a C to G substitution at nucleotide position 59. The serine at codon 20 is replaced by cysteine, an amino acid with dissimilar properties. This amino acid position is conserved. In addition, this alteration is predicted to be tolerated by in silico analysis. Based on the available evidence, the clinical significance of this variant remains unclear.